The following is an entry in ClinVar:

ClinVar aggregate classification (germline): Uncertain significance (1 of 4 stars; one submission).

gnomAD v4.1: 1 of 1,582,944 alleles (0.000063%); highest among the groups gnomAD compares: Non-Finnish European, 0.000086%; no homozygotes.

Submission:

Labcorp Genetics (formerly Invitae), Labcorp
Classification: Uncertain significance. Last evaluated: 2025-12-16. Review status: criteria provided, single submitter. Criteria: Invitae Variant Classification Sherloc (09022015). Collection method: clinical testing. Allele origin: germline.
Comment: This sequence change replaces valine, which is neutral and non-polar, with leucine, which is neutral and non-polar, at codon 940 of the MYH14 protein (p.Val940Leu). This variant is not present in population databases (gnomAD no frequency). This variant has not been reported in the literature in individuals affected with MYH14-related conditions. Invitae Evidence Modeling of protein sequence and biophysical properties (such as structural, functional, and spatial information, amino acid conservation, physicochemical variation, residue mobility, and thermodynamic stability) indicates that this missense variant is not expected to disrupt MYH14 protein function with a negative predictive value of 80%. In summary, the available evidence is currently insufficient to determine the role of this variant in disease. Therefore, it has been classified as a Variant of Uncertain Significance.

NM_001145809.2(MYH14):c.2941G>C (p.Val981Leu)

Gene: MYH14 (myosin heavy chain 14; plus strand). Cytogenetic location: 19q13.33.
Variant type: single nucleotide variant.
Coding change: c.2941G>C on transcript NM_001145809.2 (MANE Select); coding-DNA position 2941, G replaced by C.
Protein change: p.Val981Leu; replaces valine 981 with leucine.
Molecular consequence: missense variant.
Genome position (GRCh38, 1-based): chr19:50,268,275, G>C. VCF-style: chr19-50268275-G-C. GRCh37 (hg19) VCF-style: chr19-50771532-G-C.
Other names: c.2842G>C, p.Val948Leu (NM_001077186.2); c.2818G>C, p.Val940Leu (NM_024729.4); short protein forms V940L, V948L, V981L.
Identifiers: ClinVar variation 4807589 (VCV004807589.1).